The following is an entry in ClinVar:

NM_139276.3(STAT3):c.1658del (p.Asn553fs)

Gene: STAT3 (signal transducer and activator of transcription 3; minus strand). Cytogenetic location: 17q21.2.
Variant type: Deletion.
Coding change: c.1658del on transcript NM_139276.3 (MANE Select); coding-DNA position 1658, one base deleted (A; older notation c.1658delA).
Protein change: p.Asn553fs; shifts the reading frame from asparagine 553.
Molecular consequence: frameshift variant.
Genome position (GRCh38, 1-based): chr17:42,323,350, T deleted on the plus strand (A on the coding strand, the reverse complement: STAT3 is on the minus strand); the first of 4 consecutive T bases (chr17:42,323,350-42,323,353); deleting any one gives the same sequence. VCF-style (leftmost placement, unchanged base first): chr17-42323349-GT-G. GRCh37 (hg19) VCF-style: chr17-40475367-GT-G.
Other names: c.1658del, p.Asn553fs (NM_001369512.1, NM_001369513.1, NM_001369514.1 and 10 more transcripts); c.1598del, p.Asn533fs (NM_001384992.1); c.1574del, p.Asn525fs (NM_001384984.1); c.1580del, p.Asn527fs (NM_001384985.1); c.1673del, p.Asn558fs (NM_001384986.1, NM_001384990.1); c.1637del, p.Asn546fs (NM_001384987.1); c.1562del, p.Asn521fs (NM_001384989.1); short protein forms N525fs, N527fs, N533fs, N546fs, N558fs, N521fs, N553fs.
Identifiers: ClinVar variation 2952760 (VCV002952760.3), dbSNP rs2144698193, ClinGen allele CA2733862632.

ClinVar aggregate classification (germline): Uncertain significance (1 of 4 stars; one submission).

Conditions:
STAT3 gain of function. Identifiers: MedGen C4288261.
Hyper-IgE recurrent infection syndrome 1, autosomal dominant. Also called: STAT3 Hyper IgE Syndrome; Hyper-IgE recurrent infection syndrome 1; JOB SYNDROME; HYPER-IgE SYNDROME 1, AUTOSOMAL DOMINANT, WITH RECURRENT INFECTIONS; Job's Syndrome. Identifiers: Orphanet 2314, MedGen C2936739, MONDO:0007818, OMIM 147060.

Submission:

Labcorp Genetics (formerly Invitae), Labcorp
Classification: Uncertain significance for STAT3 gain of function; Hyper-IgE recurrent infection syndrome 1, autosomal dominant. Last evaluated: 2023-11-13. Review status: criteria provided, single submitter. Criteria: Invitae Variant Classification Sherloc (09022015). Collection method: clinical testing. Allele origin: germline.
Comment: This sequence change creates a premature translational stop signal (p.Asn553Thrfs*20) in the STAT3 gene. It is expected to result in an absent or disrupted protein product. However, the current clinical and genetic evidence is not sufficient to establish whether loss-of-function variants in STAT3 cause disease. This variant is not present in population databases (gnomAD no frequency). This variant has not been reported in the literature in individuals affected with STAT3-related conditions. In summary, the available evidence is currently insufficient to determine the role of this variant in disease. Therefore, it has been classified as a Variant of Uncertain Significance.